The following is an entry in ClinVar:

NM_004525.3(LRP2):c.6262G>C (p.Val2088Leu)

Gene: LRP2 (LDL receptor related protein 2; minus strand). Cytogenetic location: 2q31.1.
Variant type: single nucleotide variant.
Coding change: c.6262G>C on transcript NM_004525.3 (MANE Select); coding-DNA position 6262, G replaced by C.
Protein change: p.Val2088Leu; replaces valine 2088 with leucine.
Molecular consequence: missense variant.
Genome position (GRCh38, 1-based): chr2:169,211,986, C>G on the plus strand (G>C on the coding strand, the complement: LRP2 is on the minus strand). VCF-style: chr2-169211986-C-G. GRCh37 (hg19) VCF-style: chr2-170068496-C-G.
Other names: short protein forms V2088L.
Identifiers: ClinVar variation 5009226 (VCV005009226.1).

ClinVar aggregate classification (germline): Uncertain significance (1 of 4 stars; one submission).

Submission:

GeneDx
Classification: Uncertain significance. Last evaluated: 2026-03-19. Review status: criteria provided, single submitter. Criteria: GeneDx Variant Classification Process June 2021. Collection method: clinical testing. Allele origin: germline.
Comment: Not observed at significant frequency in large population cohorts (gnomAD); In silico analysis suggests that this missense variant does not alter protein structure/function; Has not been previously published as pathogenic or benign to our knowledge